The following is an entry in ClinVar:

NM_025137.4(SPG11):c.437A>G (p.Asp146Gly)

Gene: SPG11 (SPG11 vesicle trafficking associated, spatacsin; minus strand). Cytogenetic location: 15q21.1.
Variant type: single nucleotide variant.
Coding change: c.437A>G on transcript NM_025137.4 (MANE Select); coding-DNA position 437, A replaced by G.
Protein change: p.Asp146Gly; replaces aspartic acid 146 with glycine.
Molecular consequence: missense variant.
Genome position (GRCh38, 1-based): chr15:44,660,437, T>C on the plus strand (A>G on the coding strand, the complement: SPG11 is on the minus strand). VCF-style: chr15-44660437-T-C. GRCh37 (hg19) VCF-style: chr15-44952635-T-C.
Other names: c.437A>G, p.Asp146Gly (NM_001160227.2); short protein forms D146G.
Identifiers: ClinVar variation 466529 (VCV000466529.18), dbSNP rs182535774, ClinGen allele CA7535844.

ClinVar aggregate classification (germline): Conflicting classifications of pathogenicity. Review status: criteria provided, conflicting classifications (1 of 4 stars). 3 submissions from 3 submitters: Uncertain significance (1); Likely benign (1). 1 of the submissions does not count toward it. Last evaluated 2026-02-01.

Conditions:
Hereditary spastic paraplegia 11. Also called: SPASTIC PARAPLEGIA, AUTOSOMAL RECESSIVE, COMPLICATED, WITH THIN CORPUS CALLOSUM; SPASTIC PARAPLEGIA, AUTOSOMAL RECESSIVE, WITH MENTAL IMPAIRMENT AND THIN CORPUS CALLOSUM; Nakamura Osame syndrome; Autosomal recessive hereditary spastic paraplegia, mental impairment, and thin corpus callosum; Spastic paraplegia, mental retardation and thin corpus callosum; Spastic Paraplegia 11. Identifiers: Orphanet 2822, MedGen C1858479, MONDO:0011445, OMIM 604360.
SPG11-related disorder. Also called: SPG11-related condition.

Allele frequency attached by ClinVar (database versions not stated): TOPMed 0.00037; 1000 Genomes Project 30x 0.00234; 1000 Genomes Project 0.00240.
gnomAD v4.1: 241 of 1,613,510 alleles (0.015%); highest among the groups gnomAD compares: East Asian, 0.48%; 2 homozygotes.

Submissions (3):

Labcorp Genetics (formerly Invitae), Labcorp
Classification: Likely benign for Hereditary spastic paraplegia 11. Last evaluated: 2026-02-01. Review status: criteria provided, single submitter. Criteria: Invitae Variant Classification Sherloc (09022015). Collection method: clinical testing. Allele origin: germline.

Illumina Laboratory Services, Illumina
Classification: Uncertain significance for Hereditary spastic paraplegia 11. Last evaluated: 2018-01-13. Review status: criteria provided, single submitter. Criteria: ICSL Variant Classification Criteria 13 December 2019. Collection method: clinical testing. Allele origin: germline.

PreventionGenetics, part of Exact Sciences
Classification: Likely benign for SPG11-related condition. Last evaluated: 2019-08-29. Review status: no assertion criteria provided. Collection method: clinical testing. Allele origin: germline. Not counted in ClinVar's aggregate classification.
Comment: This variant is classified as likely benign based on ACMG/AMP sequence variant interpretation guidelines (Richards et al. 2015 PMID: 25741868, with internal and published modifications).